The following is an entry in ClinVar:

ClinVar aggregate classification (germline): Likely benign. Review status: criteria provided, multiple submitters, no conflicts (2 of 4 stars). 4 submissions from 4 submitters: Likely benign (3). 1 of the submissions does not count toward it. Last evaluated 2025-02-24.

Conditions:
TBX5-related disorder. Also called: TBX5-related condition.
Cardiovascular phenotype. Identifiers: MedGen CN230736.
Aortic valve disease 2 (AOVD2). Identifiers: MedGen C3542024, MONDO:0013902, OMIM 614823.

Allele frequency attached by ClinVar (database versions not stated): TOPMed 0.00003; gnomAD 0.00009; gnomAD exomes 0.00016 and 0.00030; ExAC 0.00032; 1000 Genomes Project 30x 0.00047; 1000 Genomes Project 0.00060.

Submissions (4):

Labcorp Genetics (formerly Invitae), Labcorp
Classification: Likely benign for Aortic valve disease 2. Last evaluated: 2025-02-24. Review status: criteria provided, single submitter. Criteria: Invitae Variant Classification Sherloc (09022015). Collection method: clinical testing. Allele origin: germline.

Blueprint Genetics
Classification: Likely benign. Last evaluated: 2024-10-15. Review status: criteria provided, single submitter. Criteria: ACMG Guidelines, 2015. Collection method: clinical testing. Allele origin: germline.

Ambry Genetics
Classification: Likely benign for Cardiovascular phenotype. Last evaluated: 2023-10-12. Review status: criteria provided, single submitter. Criteria: Ambry Variant Classification Scheme 2023. Collection method: clinical testing. Allele origin: germline.

PreventionGenetics, part of Exact Sciences
Classification: Likely benign for TBX5-related condition. Last evaluated: 2021-05-05. Review status: no assertion criteria provided. Collection method: clinical testing. Allele origin: germline. Not counted in ClinVar's aggregate classification.
Comment: This variant is classified as likely benign based on ACMG/AMP sequence variant interpretation guidelines (Richards et al. 2015 PMID: 25741868, with internal and published modifications).

NM_181486.4(TBX5):c.865T>G (p.Ser289Ala)

Gene: TBX5 (T-box transcription factor 5; minus strand). Cytogenetic location: 12q24.21.
Variant type: single nucleotide variant.
Coding change: c.865T>G on transcript NM_181486.4 (MANE Select); coding-DNA position 865, T replaced by G.
Protein change: p.Ser289Ala; replaces serine 289 with alanine.
Molecular consequence: missense variant.
Genome position (GRCh38, 1-based): chr12:114,366,282, A>C on the plus strand (T>G on the coding strand, the complement: TBX5 is on the minus strand). VCF-style: chr12-114366282-A-C. GRCh37 (hg19) VCF-style: chr12-114804087-A-C.
Other names: c.865T>G, p.Ser289Ala (NM_000192.3); c.715T>G, p.Ser239Ala (NM_080717.4); short protein forms S239A, S289A.
Identifiers: ClinVar variation 1110802 (VCV001110802.13), dbSNP rs543015692, ClinGen allele CA6809479.